The following is an entry in ClinVar:

NM_024301.5(FKRP):c.*10A>G

Gene: FKRP (fukutin related protein; plus strand). Cytogenetic location: 19q13.32.
Variant type: single nucleotide variant.
Coding change: c.*10A>G on transcript NM_024301.5 (MANE Select); 10 bases downstream of the stop codon, A replaced by G.
Molecular consequence: 3 prime UTR variant.
Genome position (GRCh38, 1-based): chr19:46,756,948, A>G. VCF-style: chr19-46756948-A-G. GRCh37 (hg19) VCF-style: chr19-47260205-A-G.
Other names: c.*10A>G (NM_001039885.3).
Identifiers: ClinVar variation 594948 (VCV000594948.6), dbSNP rs1568420774, ClinGen allele CA913190331.

ClinVar aggregate classification (germline): Conflicting classifications of pathogenicity. Review status: criteria provided, conflicting classifications (1 of 4 stars). 2 submissions from 2 submitters: Uncertain significance (1); Likely benign (1). Last evaluated 2025-04-18.

Allele frequency attached by ClinVar (database versions not stated): TOPMed below 0.00001; gnomAD 0.00001; gnomAD exomes below 0.00001.
gnomAD v4.1: 4 of 1,612,352 alleles (0.00025%); highest among the groups gnomAD compares: Non-Finnish European, 0.00034%; no homozygotes.

Submissions (2):

Mayo Clinic Laboratories, Mayo Clinic
Classification: Likely benign. Last evaluated: 2025-04-18. Review status: criteria provided, single submitter. Criteria: ACMG Guidelines, 2015. Collection method: clinical testing. Allele origin: germline. Observed: 1 variant allele.
Comment: BP4, BP7, PM2_supporting

Eurofins Ntd Llc (ga)
Classification: Uncertain significance. Last evaluated: 2017-11-14. Review status: criteria provided, single submitter. Criteria: EGL Classification Definitions 2015. Collection method: clinical testing. Allele origin: germline. Observed: 1 variant allele, 1 heterozygote.